The following is an entry in ClinVar:

NC_000018.9:g.(?_3067250)_(3079350_?)dup

Gene: MYOM1 (myomesin 1; minus strand). Cytogenetic location: 18p11.31.
Variant type: Duplication.
Identifiers: ClinVar variation 999678 (VCV000999678.5).

ClinVar aggregate classification (germline): Uncertain significance (1 of 4 stars; one submission).

Conditions:
Hypertrophic cardiomyopathy. Also called: HYPERTROPHIC MYOCARDIOPATHY. Identifiers: Orphanet 217569, MedGen C0007194, MeSH D002312, MONDO:0005045, HP:0001639.

Submission:

Labcorp Genetics (formerly Invitae), Labcorp
Classification: Uncertain significance for Hypertrophic cardiomyopathy. Last evaluated: 2020-02-03. Review status: criteria provided, single submitter. Criteria: Invitae Variant Classification Sherloc (09022015). Collection method: clinical testing. Allele origin: germline.
Comment: In summary, the available evidence is currently insufficient to determine the role of this variant in disease. Therefore, it has been classified as a Variant of Uncertain Significance. Experimental studies and prediction algorithms are not available or were not evaluated, and the functional significance of this variant is currently unknown. This variant has not been reported in the literature in individuals with MYOM1-related conditions. This variant results in a copy number gain of the genomic region encompassing exons 34-38 of the MYOM1 gene. The 5' boundary is likely confined to intron 33. The 3' end of this event is unknown as it extends beyond the assayed region for this gene and therefore may encompass additional genes. As the precise location of this event is unknown, it may be in tandem or it may be located elsewhere in the genome.